The following is an entry in ClinVar:

ClinVar aggregate classification (germline): Benign/Likely benign. Review status: criteria provided, multiple submitters, no conflicts (2 of 4 stars). 5 submissions from 5 submitters: Benign (1); Likely benign (4). Last evaluated 2025-08-15.

Conditions:
Lynch syndrome 5 (LYNCH5). Also called: Colorectal cancer, hereditary nonpolyposis, type 5; Hereditary non-polyposis colorectal cancer, type 5. Identifiers: Orphanet 144, MedGen C1833477, MONDO:0013710, OMIM 614350. Disease mechanism: loss of function.
Hereditary nonpolyposis colorectal neoplasms. Identifiers: MedGen C0009405, MeSH D003123.
Hereditary cancer-predisposing syndrome. Also called: Neoplastic Syndromes, Hereditary; Tumor predisposition; Hereditary Cancer Syndrome; Hereditary neoplastic syndrome. Identifiers: Orphanet 140162, MedGen C0027672, MeSH D009386, MONDO:0015356.

Allele frequency attached by ClinVar (database versions not stated): gnomAD exomes below 0.00001.
gnomAD v4.1: 1 of 1,614,158 alleles (0.000062%); highest among the groups gnomAD compares: Non-Finnish European, 0.000085%; no homozygotes.

Submissions (5):

Color Diagnostics, LLC DBA Color Health
Classification: Likely benign for Hereditary cancer-predisposing syndrome. Last evaluated: 2025-08-15. Review status: criteria provided, single submitter. Criteria: ACMG Guidelines, 2015. Collection method: clinical testing. Allele origin: germline.

Labcorp Genetics (formerly Invitae), Labcorp
Classification: Likely benign for Hereditary nonpolyposis colorectal neoplasms. Last evaluated: 2025-07-09. Review status: criteria provided, single submitter. Criteria: Invitae Variant Classification Sherloc (09022015). Collection method: clinical testing. Allele origin: germline.

Myriad Genetics, Inc.
Classification: Benign for Lynch syndrome 5. Last evaluated: 2024-12-20. Review status: criteria provided, single submitter. Criteria: Myriad Autosomal Dominant, Autosomal Recessive and X-Linked Classification Criteria (2023). Collection method: clinical testing. Allele origin: unknown.
Comment: This variant is considered benign. This variant is a silent/synonymous amino acid change and it is not expected to impact splicing.

GeneDx
Classification: Likely benign. Last evaluated: 2018-04-09. Review status: criteria provided, single submitter. Criteria: GeneDx Variant Classification (06012015). Collection method: clinical testing. Allele origin: germline. Affected: yes.
Comment: This variant is considered likely benign or benign based on one or more of the following criteria: it is a conservative change, it occurs at a poorly conserved position in the protein, it is predicted to be benign by multiple in silico algorithms, and/or has population frequency not consistent with disease.

Ambry Genetics
Classification: Likely benign for Hereditary cancer-predisposing syndrome. Last evaluated: 2015-05-25. Review status: criteria provided, single submitter. Criteria: Ambry Variant Classification Scheme 2023. Collection method: clinical testing. Allele origin: germline.

NM_000179.3(MSH6):c.921T>C (p.Asn307=)

Gene: MSH6 (mutS homolog 6; plus strand). Cytogenetic location: 2p16.3.
Variant type: single nucleotide variant.
Coding change: c.921T>C on transcript NM_000179.3 (MANE Select); coding-DNA position 921, T replaced by C.
Protein change: p.Asn307=; no amino-acid change (asparagine 307 retained).
Molecular consequence: synonymous variant.
Genome position (GRCh38, 1-based): chr2:47,798,904, T>C. VCF-style: chr2-47798904-T-C. GRCh37 (hg19) VCF-style: chr2-48026043-T-C.
Other names: c.531T>C, p.Asn177= (NM_001281492.2); c.15T>C, p.Asn5= (NM_001281493.2, NM_001281494.2).
Identifiers: ClinVar variation 232010 (VCV000232010.18), dbSNP rs876659492, ClinGen allele CA10578053.